The following is an entry in ClinVar:

NM_000245.4(MET):c.2045T>C (p.Leu682Pro)

Gene: MET (MET proto-oncogene, receptor tyrosine kinase; plus strand). Cytogenetic location: 7q31.2.
Variant type: single nucleotide variant.
Coding change: c.2045T>C on transcript NM_000245.4 (MANE Select); coding-DNA position 2045, T replaced by C.
Protein change: p.Leu682Pro; replaces leucine 682 with proline.
Molecular consequence: missense variant.
Genome position (GRCh38, 1-based): chr7:116,757,717, T>C. VCF-style: chr7-116757717-T-C. GRCh37 (hg19) VCF-style: chr7-116397771-T-C.
Other names: c.2045T>C, p.Leu682Pro (NM_001127500.3, NM_001324401.3); c.755T>C, p.Leu252Pro (NM_001324402.2); short protein forms L682P, L252P.
Identifiers: ClinVar variation 4053954 (VCV004053954.2).

ClinVar aggregate classification (germline): Uncertain significance (1 of 4 stars; one submission).

Conditions:
Hereditary cancer-predisposing syndrome. Also called: Neoplastic Syndromes, Hereditary; Tumor predisposition; Hereditary Cancer Syndrome; Hereditary neoplastic syndrome. Identifiers: Orphanet 140162, MedGen C0027672, MeSH D009386, MONDO:0015356.

Submission:

Ambry Genetics
Classification: Uncertain significance for Hereditary cancer-predisposing syndrome. Last evaluated: 2026-07-30. Review status: criteria provided, single submitter. Criteria: Ambry Variant Classification Scheme 2023. Collection method: clinical testing. Allele origin: germline.
Comment: The p.L682P variant (also known as c.2045T>C), located in coding exon 7 of the MET gene, results from a T to C substitution at nucleotide position 2045. The leucine at codon 682 is replaced by proline, an amino acid with similar properties. This amino acid position is highly conserved in available vertebrate species. In addition, this alteration is predicted to be deleterious by in silico analysis. Based on the available evidence, the clinical significance of this variant remains unclear.